The following is an entry in ClinVar:

ClinVar aggregate classification (germline): Uncertain significance (1 of 4 stars; one submission).

Conditions:
Charcot-Marie-Tooth disease type 4. Also called: Charcot-Marie-Tooth, Type 4; Charcot-Marie-Tooth disease, type IV. Identifiers: Orphanet 64749, MedGen C4082197, MONDO:0018995.

Allele frequency attached by ClinVar (database versions not stated): gnomAD exomes below 0.00001.
gnomAD v4.1: 5 of 1,613,700 alleles (0.00031%); highest among the groups gnomAD compares: Non-Finnish European, 0.00034%; no homozygotes.

Submission:

Labcorp Genetics (formerly Invitae), Labcorp
Classification: Uncertain significance for Charcot-Marie-Tooth disease type 4. Last evaluated: 2017-10-11. Review status: criteria provided, single submitter. Criteria: Invitae Variant Classification Sherloc (09022015). Collection method: clinical testing. Allele origin: germline.
Comment: In summary, the available evidence is currently insufficient to determine the role of this variant in disease. Therefore, it has been classified as a Variant of Uncertain Significance. Algorithms developed to predict the effect of missense changes on protein structure and function (SIFT, PolyPhen-2, Align-GVGD) all suggest that this variant is likely to be tolerated, but these predictions have not been confirmed by published functional studies and their clinical significance is uncertain. This variant has not been reported in the literature in individuals with MTMR2-related disease. This variant is not present in population databases (ExAC no frequency). This sequence change replaces arginine with glutamine at codon 144 of the MTMR2 protein (p.Arg144Gln). The arginine residue is highly conserved and there is a small physicochemical difference between arginine and glutamine.

NM_016156.6(MTMR2):c.431G>A (p.Arg144Gln)

Gene: MTMR2 (myotubularin related protein 2; minus strand). Cytogenetic location: 11q21.
Variant type: single nucleotide variant.
Coding change: c.431G>A on transcript NM_016156.6 (MANE Select); coding-DNA position 431, G replaced by A.
Protein change: p.Arg144Gln; replaces arginine 144 with glutamine.
Molecular consequence: missense variant.
Genome position (GRCh38, 1-based): chr11:95,862,029, C>T on the plus strand (G>A on the coding strand, the complement: MTMR2 is on the minus strand). VCF-style: chr11-95862029-C-T. GRCh37 (hg19) VCF-style: chr11-95595193-C-T.
Other names: c.215G>A, p.Arg72Gln (NM_001243571.2, NM_201278.3, NM_201281.3); short protein forms R144Q, R72Q.
Identifiers: ClinVar variation 543352 (VCV000543352.8), dbSNP rs1555065007, ClinGen allele CA382429414.
Genomic context (GRCh38, chr11:95,862,029, plus strand): 5'-CACATACATATTATAACATTTACCTTACACACAGTTTCTAGTCCATAAGAATTTTCACCT[C>T]GACTAGAAGCACCACCAATTTTTTCTACTCTATTTATCACACCAAGGGAAGCATCTAAAA-3'
Protein context (NP_057240.3, residues 134-154): RVEKIGGASS[Arg144Gln]GENSYGLETV